The following is an entry in ClinVar:

ClinVar aggregate classification (germline): Pathogenic (1 of 4 stars; one submission).

Submission:

Labcorp Genetics (formerly Invitae), Labcorp
Classification: Pathogenic. Last evaluated: 2024-10-10. Review status: criteria provided, single submitter. Criteria: Invitae Variant Classification Sherloc (09022015). Collection method: clinical testing. Allele origin: germline.
Comment: This sequence change creates a premature translational stop signal (p.Asn290Metfs*89) in the TECTA gene. It is expected to result in an absent or disrupted protein product. Loss-of-function variants in TECTA are known to be pathogenic (PMID: 11087000, 12746400, 17431902, 24130743). This variant is not present in population databases (gnomAD no frequency). This variant has not been reported in the literature in individuals affected with TECTA-related conditions. For these reasons, this variant has been classified as Pathogenic.

Literature cited by the submitters: PubMed 11087000; PubMed 12746400; PubMed 17431902; PubMed 24130743.

NM_005422.4(TECTA):c.869del (p.Asn290fs)

Genes: TBCEL-TECTA (TBCEL-TECTA readthrough; plus strand), TECTA (tectorin alpha; plus strand). Cytogenetic location: 11q23.3.
Variant type: Deletion.
Coding change: c.869del on transcript NM_005422.4 (MANE Select); coding-DNA position 869, one base deleted (A; older notation c.869delA).
Protein change: p.Asn290fs; shifts the reading frame from asparagine 290.
Molecular consequence: frameshift variant.
Genome position (GRCh38, 1-based): chr11:121,118,384, A deleted; the last of 2 consecutive A bases (chr11:121,118,383-121,118,384); deleting either gives the same sequence. VCF-style (leftmost placement, unchanged base first): chr11-121118382-CA-C. GRCh37 (hg19) VCF-style: chr11-120989091-CA-C.
Other names: c.1826del, p.Asn609fs (NM_001378761.1); short protein forms N609fs, N290fs.
Identifiers: ClinVar variation 3633068 (VCV003633068.2).